The following is an entry in ClinVar:

NM_004369.4(COL6A3):c.8406C>T (p.Thr2802=)

Gene: COL6A3 (collagen type VI alpha 3 chain; minus strand). Cytogenetic location: 2q37.3.
Variant type: single nucleotide variant.
Coding change: c.8406C>T on transcript NM_004369.4 (MANE Select); coding-DNA position 8406, C replaced by T.
Protein change: p.Thr2802=; no amino-acid change (threonine 2802 retained).
Molecular consequence: synonymous variant.
Genome position (GRCh38, 1-based): chr2:237,340,510, G>A on the plus strand (C>T on the coding strand, the complement: COL6A3 is on the minus strand). VCF-style: chr2-237340510-G-A. GRCh37 (hg19) VCF-style: chr2-238249153-G-A.
Other names: c.6585C>T, p.Thr2195= (NM_057166.5); c.7788C>T, p.Thr2596= (NM_057167.4).
Identifiers: ClinVar variation 289020 (VCV000289020.14), dbSNP rs572018781, ClinGen allele CA10606298.

ClinVar aggregate classification (germline): Conflicting classifications of pathogenicity. Review status: criteria provided, conflicting classifications (1 of 4 stars). 4 submissions from 4 submitters: Uncertain significance (1); Likely benign (3). Last evaluated 2026-09-01.

Conditions:
Bethlem myopathy 1A. Also called: Bethlem Muscular Dystrophy; MYOPATHY, BENIGN CONGENITAL, WITH CONTRACTURES; Bethlem myopathy 1. Identifiers: Orphanet 610, MedGen CN029274, MONDO:0024530, OMIM 158810.

Allele frequency attached by ClinVar (database versions not stated): gnomAD exomes below 0.00001 and 0.00001; gnomAD 0.00001; TOPMed 0.00002.
gnomAD v4.1: 13 of 1,613,964 alleles (0.00081%); highest among the groups gnomAD compares: African/African-American, 0.0013%; no homozygotes.

Submissions (4):

CeGaT Center for Human Genetics Tuebingen
Classification: Likely benign. Last evaluated: 2026-09-01. Review status: criteria provided, single submitter. Criteria: CeGaT Center For Human Genetics Tuebingen Variant Classification Criteria Version 2. Collection method: clinical testing. Allele origin: germline. Affected: yes. Observed: 1 variant allele.
Comment: COL6A3: BP4, BP7

Women's Health and Genetics/Laboratory Corporation of America, LabCorp
Classification: Likely benign. Last evaluated: 2025-09-25. Review status: criteria provided, single submitter. Criteria: LabCorp Variant Classification Summary - May 2015. Collection method: clinical testing. Allele origin: germline.

Labcorp Genetics (formerly Invitae), Labcorp
Classification: Likely benign for Bethlem myopathy 1A. Last evaluated: 2022-02-28. Review status: criteria provided, single submitter. Criteria: Invitae Variant Classification Sherloc (09022015). Collection method: clinical testing. Allele origin: germline.

Eurofins Ntd Llc (ga)
Classification: Uncertain significance. Last evaluated: 2016-08-10. Review status: criteria provided, single submitter. Criteria: EGL Classification Definitions 2015. Collection method: clinical testing. Allele origin: germline. Observed: 1 variant allele, 1 heterozygote.